The following is an entry in ClinVar:

ClinVar aggregate classification (germline): Uncertain significance. Review status: criteria provided, multiple submitters, no conflicts (2 of 4 stars). 2 submissions from 2 submitters: Uncertain significance (2). Last evaluated 2024-02-17.

Allele frequency attached by ClinVar (database versions not stated): gnomAD 0.00001; gnomAD exomes 0.00004 and 0.00009; ExAC 0.00011.
gnomAD v4.1: 26 of 1,610,986 alleles (0.0016%); highest among the groups gnomAD compares: Admixed American, 0.044%; no homozygotes.

Submissions (2):

Labcorp Genetics (formerly Invitae), Labcorp
Classification: Uncertain significance. Last evaluated: 2024-02-17. Review status: criteria provided, single submitter. Criteria: Invitae Variant Classification Sherloc (09022015). Collection method: clinical testing. Allele origin: germline.
Comment: This sequence change replaces aspartic acid, which is acidic and polar, with valine, which is neutral and non-polar, at codon 680 of the TRIOBP protein (p.Asp680Val). This variant is present in population databases (rs751981183, gnomAD 0.07%). This variant has not been reported in the literature in individuals affected with TRIOBP-related conditions. ClinVar contains an entry for this variant (Variation ID: 1501906). An algorithm developed to predict the effect of missense changes on protein structure and function (PolyPhen-2) suggests that this variant is likely to be disruptive. In summary, the available evidence is currently insufficient to determine the role of this variant in disease. Therefore, it has been classified as a Variant of Uncertain Significance.

Blueprint Genetics
Classification: Uncertain significance. Last evaluated: 2022-08-12. Review status: criteria provided, single submitter. Criteria: ACMG Guidelines, 2015. Collection method: clinical testing. Allele origin: germline.

NM_001039141.3(TRIOBP):c.2039A>T (p.Asp680Val)

Gene: TRIOBP (TRIO and F-actin binding protein; plus strand). Cytogenetic location: 22q13.1.
Variant type: single nucleotide variant.
Coding change: c.2039A>T on transcript NM_001039141.3 (MANE Select); coding-DNA position 2039, A replaced by T.
Protein change: p.Asp680Val; replaces aspartic acid 680 with valine.
Molecular consequence: missense variant.
Genome position (GRCh38, 1-based): chr22:37,724,595, A>T. VCF-style: chr22-37724595-A-T. GRCh37 (hg19) VCF-style: chr22-38120602-A-T.
Other names: short protein forms D680V.
Identifiers: ClinVar variation 1501906 (VCV001501906.7), dbSNP rs751981183, ClinGen allele CA10223768.